The following is an entry in ClinVar:

NM_152281.3(GORAB):c.-19dup

Genes: GORAB (golgin, RAB6 interacting; plus strand), GORAB-AS1 (GORAB antisense RNA 1; minus strand). Cytogenetic location: 1q24.2.
Variant type: Duplication.
Coding change: c.-19dup on transcript NM_152281.3 (MANE Select); 19 bases upstream of the start codon, one base duplicated (G; older notation c.-19dupG).
Molecular consequence: 5 prime UTR variant. On other transcripts: non-coding transcript variant (1).
Genome position (GRCh38, 1-based): chr1:170,532,205, G duplicated; the last of 5 consecutive G bases (chr1:170,532,201-170,532,205); duplicating any one gives the same sequence. VCF-style (leftmost placement, unchanged base first): chr1-170532200-T-TG. GRCh37 (hg19) VCF-style: chr1-170501341-T-TG.
Other names: c.-19dup (NM_001146039.2, NM_001410894.1); c.-784dup (NM_001320252.2).
Identifiers: ClinVar variation 4765390 (VCV004765390.1).
Genomic context (GRCh38, chr1:170,532,200, plus strand): 5'-AAAACCCGGATGAGCTGGGCAGCAGTGTTGGCAGTCGCGGCTGCGAGATTTGGGCACTTT[T>TG]GGGGGTGCCGGTGGCCCGGGCCGATGGCGCAAGGTTGGGCAGGATTCTCTGAGGAGGAAC-3'

ClinVar aggregate classification (germline): Pathogenic (1 of 4 stars; one submission).

Submission:

Labcorp Genetics (formerly Invitae), Labcorp
Classification: Pathogenic. Last evaluated: 2025-12-03. Review status: criteria provided, single submitter. Criteria: Invitae Variant Classification Sherloc (09022015). Collection method: clinical testing. Allele origin: germline.
Comment: This sequence change creates a premature translational stop signal (p.Cys20Valfs*16) in the GORAB gene. It is expected to result in an absent or disrupted protein product. Loss-of-function variants in GORAB are known to be pathogenic (PMID: 18997784, 19681135). This variant is present in population databases (no rsID available, gnomAD no frequency). This variant has not been reported in the literature in individuals affected with GORAB-related conditions. For these reasons, this variant has been classified as Pathogenic.

Literature cited by the submitters: PubMed 18997784; PubMed 19681135.